The following is an entry in ClinVar:

NM_001395002.1(MAP4K4):c.3403C>T (p.Arg1135Cys)

Gene: MAP4K4 (mitogen-activated protein kinase kinase kinase kinase 4; plus strand). Cytogenetic location: 2q11.2.
Variant type: single nucleotide variant.
Coding change: c.3403C>T on transcript NM_001395002.1 (MANE Select); coding-DNA position 3403, C replaced by T.
Protein change: p.Arg1135Cys; replaces arginine 1135 with cysteine.
Molecular consequence: missense variant. On other transcripts: non-coding transcript variant (4).
Genome position (GRCh38, 1-based): chr2:101,882,568, C>T. VCF-style: chr2-101882568-C-T. GRCh37 (hg19) VCF-style: chr2-102499030-C-T.
Other names: c.2968C>T, p.Arg990Cys (NM_001242559.2); c.2956C>T, p.Arg986Cys (NM_001242560.2); c.3046C>T, p.Arg1016Cys (NM_001384476.1); c.3235C>T, p.Arg1079Cys (NM_001384477.1); c.2725C>T, p.Arg909Cys (NM_001384478.1); c.3163C>T, p.Arg1055Cys (NM_001384481.1); c.2716C>T, p.Arg906Cys (NM_001384482.1); c.2998C>T, p.Arg1000Cys (NM_001384483.1); and 39 more; short protein forms R1001C, R1007C, R1008C, R1046C, R1132C, R1135C, R900C, R908C.
Identifiers: ClinVar variation 3543003 (VCV003543003.4).

ClinVar aggregate classification (germline): Uncertain significance. Review status: criteria provided, multiple submitters, no conflicts (2 of 4 stars). 3 submissions from 3 submitters: Uncertain significance (3). Last evaluated 2026-02-01.

Conditions:
RASopathy. Also called: Noonan spectrum disorder; rasopathies. Identifiers: Orphanet 536391, MedGen C5555857, MONDO:0021060.
Inborn genetic diseases. Identifiers: MedGen C0950123, MeSH D030342.

gnomAD v4.1: 1 of 1,593,240 alleles (0.000063%); highest among the groups gnomAD compares: Non-Finnish European, 0.000085%; no homozygotes.

Submissions (3):

GeneDx
Classification: Uncertain significance. Last evaluated: 2026-02-01. Review status: criteria provided, single submitter. Criteria: GeneDx Variant Classification Process June 2021. Collection method: clinical testing. Allele origin: germline.
Comment: Not observed at significant frequency in large population cohorts (gnomAD); In silico analysis supports that this missense variant has a deleterious effect on protein structure/function; Has not been previously published as pathogenic or benign to our knowledge

Victorian Clinical Genetics Services, Murdoch Childrens Research Institute
Classification: Uncertain significance for RASopathy. Last evaluated: 2024-11-14. Review status: criteria provided, single submitter. Criteria: ACMG Guidelines, 2015. Collection method: clinical testing. Allele origin: germline. Affected: yes.
Comment: This variant is classified as VUS-3A. Evidence in support of pathogenic classification: Variant is present in gnomAD <0.001 for a dominant condition (v4: 1 heterozygote(s), 0 homozygote(s)); Missense variant consistently predicted to be damaging by in silico tool or highly conserved with a major amino acid change. Additional information: Variant is predicted to result in a missense amino acid change from arginine to cysteine; This variant is heterozygous; This gene is associated with autosomal dominant disease; Multiple alternative amino acid changes at the same position have been observed in gnomAD (v4) (highest allele count: 4 heterozygotes, 0 homozygotes); This variant has no previous evidence of pathogenicity; No published segregation evidence has been identified for this variant; No published functional evidence has been identified for this variant; No comparable missense variants have previous evidence for pathogenicity; Variant is located in the annotated CNH domain (DECIPHER); Dominant negative and loss of function are known mechanisms of disease in this gene and are associated with disease. Premature termination variants have been demonstrated to have a loss of function effect, while missense variants have been demonstrated to result in a loss of function or act in a dominant negative manner (PMID: 37126546); Inheritance information for this variant is not currently available in this individual.

Ambry Genetics
Classification: Uncertain significance for Inborn genetic diseases. Last evaluated: 2024-07-26. Review status: criteria provided, single submitter. Criteria: Ambry Variant Classification Scheme 2023. Collection method: clinical testing. Allele origin: germline.

Literature cited by the submitters: PubMed 37126546 (cited by Victorian Clinical Genetics Services, Murdoch Childrens Research Institute).